The following is an entry in ClinVar:

ClinVar aggregate classification (germline): Likely benign (0 of 4 stars; one submission).

Conditions:
WARS2-related disorder. Also called: WARS2 related condition; WARS2-related disorders.

Allele frequency attached by ClinVar (database versions not stated): gnomAD exomes below 0.00001; TOPMed 0.00002; gnomAD 0.00004.
gnomAD v4.1: 10 of 1,614,040 alleles (0.00062%); highest among the groups gnomAD compares: African/African-American, 0.008%; no homozygotes.

Submission:

PreventionGenetics, part of Exact Sciences
Classification: Likely benign for WARS2-related condition. Last evaluated: 2019-02-18. Review status: no assertion criteria provided. Collection method: clinical testing. Allele origin: germline.
Comment: This variant is classified as likely benign based on ACMG/AMP sequence variant interpretation guidelines (Richards et al. 2015 PMID: 25741868, with internal and published modifications).

NM_015836.4(WARS2):c.156C>T (p.Tyr52=)

Gene: WARS2 (tryptophanyl tRNA synthetase 2, mitochondrial; minus strand). Cytogenetic location: 1p12.
Variant type: single nucleotide variant.
Coding change: c.156C>T on transcript NM_015836.4 (MANE Select); coding-DNA position 156, C replaced by T.
Protein change: p.Tyr52=; no amino-acid change (tyrosine 52 retained).
Molecular consequence: synonymous variant. On other transcripts: 5 prime UTR variant (1), intron variant (1).
Genome position (GRCh38, 1-based): chr1:119,076,542, G>A on the plus strand (C>T on the coding strand, the complement: WARS2 is on the minus strand). VCF-style: chr1-119076542-G-A. GRCh37 (hg19) VCF-style: chr1-119619165-G-A.
Other names: c.87C>T, p.Tyr29= (NM_001378226.1, NM_001378227.1); c.156C>T, p.Tyr52= (NM_001378228.1, NM_001378231.1, NM_201263.2); c.-127C>T (NM_001378230.1); c.91-30880C>T (NM_001378229.1).
Identifiers: ClinVar variation 3057629 (VCV003057629.2), dbSNP rs1163806887, ClinGen allele CA420192764.